The following is an entry in ClinVar:

ClinVar aggregate classification (germline): Uncertain significance (1 of 4 stars; one submission).

Conditions:
Jeune thoracic dystrophy. Also called: Infantile thoracic dystrophy; Thoracic pelvic phalangeal dystrophy; Jeune's syndrome; Chondroectodermal dysplasia-like syndrome; Jeune syndrome; Short-rib thoracic dysplasia. Identifiers: Orphanet 474, MedGen C0265275, MONDO:0018770.

Submission:

Labcorp Genetics (formerly Invitae), Labcorp
Classification: Uncertain significance for Jeune thoracic dystrophy. Last evaluated: 2019-08-20. Review status: criteria provided, single submitter. Criteria: Invitae Variant Classification Sherloc (09022015). Collection method: clinical testing. Allele origin: germline.
Comment: This variant is an in-frame deletion of the genomic region encompassing exon 73 of the DYNC2H1 gene. It preserves the integrity of the reading frame. In summary, the available evidence is currently insufficient to determine the role of this variant in disease. Therefore, it has been classified as a Variant of Uncertain Significance. This variant has not been reported in the literature in individuals with DYNC2H1-related conditions.

NC_000011.10:g.(?_103282179)_(103282229_?)del

Gene: DYNC2H1 (dynein cytoplasmic 2 heavy chain 1; plus strand). Cytogenetic location: 11q22.3.
Variant type: Deletion.
Identifiers: ClinVar variation 831432 (VCV000831432.7).